The following is an entry in ClinVar:

NM_012062.5(DNM1L):c.2207G>C (p.Trp736Ser)

Gene: DNM1L (dynamin 1 like; plus strand). Cytogenetic location: 12p11.21.
Variant type: single nucleotide variant.
Coding change: c.2207G>C on transcript NM_012062.5 (MANE Select); coding-DNA position 2207, G replaced by C.
Protein change: p.Trp736Ser; replaces tryptophan 736 with serine.
Molecular consequence: missense variant.
Genome position (GRCh38, 1-based): chr12:32,743,406, G>C. VCF-style: chr12-32743406-G-C. GRCh37 (hg19) VCF-style: chr12-32896340-G-C.
Other names: c.2174G>C, p.Trp725Ser (NM_001278463.2); c.2246G>C, p.Trp749Ser (NM_001278464.2); c.2213G>C, p.Trp738Ser (NM_001278465.2); c.1598G>C, p.Trp533Ser (NM_001278466.2); c.2135G>C, p.Trp712Ser (NM_001330380.2); c.2096G>C, p.Trp699Ser (NM_005690.5); c.2129G>C, p.Trp710Ser (NM_012063.4); short protein forms W710S, W712S, W699S, W725S, W736S, W738S, W533S, W749S.
Identifiers: ClinVar variation 2748114 (VCV002748114.3), dbSNP rs2541139436, ClinGen allele CA384366516.

ClinVar aggregate classification (germline): Uncertain significance (1 of 4 stars; one submission).

Submission:

Labcorp Genetics (formerly Invitae), Labcorp
Classification: Uncertain significance. Last evaluated: 2023-07-29. Review status: criteria provided, single submitter. Criteria: Invitae Variant Classification Sherloc (09022015). Collection method: clinical testing. Allele origin: germline.
Comment: In summary, the available evidence is currently insufficient to determine the role of this variant in disease. Therefore, it has been classified as a Variant of Uncertain Significance. An algorithm developed to predict the effect of missense changes on protein structure and function (PolyPhen-2) suggests that this variant is likely to be disruptive. This variant has not been reported in the literature in individuals affected with DNM1L-related conditions. This variant is not present in population databases (gnomAD no frequency). This sequence change replaces tryptophan, which is neutral and slightly polar, with serine, which is neutral and polar, at codon 736 of the DNM1L protein (p.Trp736Ser).